The following is an entry in ClinVar:

ClinVar aggregate classification (germline): Uncertain significance (1 of 4 stars; one submission).

Submission:

Ambry Genetics
Classification: Uncertain significance. Last evaluated: 2025-06-07. Review status: criteria provided, single submitter. Criteria: Ambry Variant Classification Scheme 2023. Collection method: clinical testing. Allele origin: germline.
Comment: The p.A689G variant (also known as c.2066C>G), located in coding exon 12 of the ATRIP gene, results from a C to G substitution at nucleotide position 2066. The alanine at codon 689 is replaced by glycine, an amino acid with similar properties. This amino acid position is conserved. In addition, this alteration is predicted to be tolerated by in silico analysis. Based on the available evidence, the clinical significance of this variant remains unclear.

NM_130384.3(ATRIP):c.2066C>G (p.Ala689Gly)

Genes: ATRIP (ATR interacting protein; plus strand), ATRIP-TREX1 (ATRIP-TREX1 readthrough; plus strand). Cytogenetic location: 3p21.31.
Variant type: single nucleotide variant.
Coding change: c.2066C>G on transcript NM_130384.3 (MANE Select); coding-DNA position 2066, C replaced by G.
Protein change: p.Ala689Gly; replaces alanine 689 with glycine.
Molecular consequence: missense variant. On other transcripts: non-coding transcript variant (1).
Genome position (GRCh38, 1-based): chr3:48,464,841, C>G. VCF-style: chr3-48464841-C-G. GRCh37 (hg19) VCF-style: chr3-48506240-C-G.
Other names: c.1685C>G, p.Ala562Gly (NM_001271022.2); c.1787C>G, p.Ala596Gly (NM_001271023.2); c.1985C>G, p.Ala662Gly (NM_032166.4); short protein forms A689G, A596G, A662G, A562G.
Identifiers: ClinVar variation 3977066 (VCV003977066.1).
Genomic context (GRCh38, chr3:48,464,841, plus strand): 5'-GTGCAGGCCATGGTGGCACCAGGCCTCAGTCTGCACCCCCCCTCTCTCAGGTGGTCAGAG[C>G]GCTCACGGTGATGTTGCACAGACAGTGGCTGACAGTGCGGAGGGCAGGGGGACCCCCAAG-3'
Protein context (NP_569055.1, residues 679-699): NCQCNVEVVR[Ala689Gly]LTVMLHRQWL